The following is an entry in ClinVar:

NM_013319.3(UBIAD1):c.837C>T (p.Cys279=)

Gene: UBIAD1 (UbiA prenyltransferase domain containing 1; plus strand). Cytogenetic location: 1p36.22.
Variant type: single nucleotide variant.
Coding change: c.837C>T on transcript NM_013319.3 (MANE Select); coding-DNA position 837, C replaced by T.
Protein change: p.Cys279=; no amino-acid change (cysteine 279 retained).
Molecular consequence: synonymous variant. On other transcripts: intron variant (2).
Genome position (GRCh38, 1-based): chr1:11,285,951, C>T. VCF-style: chr1-11285951-C-T. GRCh37 (hg19) VCF-style: chr1-11346008-C-T.
Other names: c.618+219C>T (NM_001330349.2); c.530-8922C>T (NM_001330350.2).
Identifiers: ClinVar variation 291863 (VCV000291863.7), dbSNP rs201111281, ClinGen allele CA591235.

ClinVar aggregate classification (germline): Benign. Review status: criteria provided, multiple submitters, no conflicts (2 of 4 stars). 2 submissions from 2 submitters: Benign (2). Last evaluated 2025-06-24.

Conditions:
Schnyder crystalline corneal dystrophy (SCCD). Also called: Crystalline corneal dystrophy; Schnyder corneal dystrophy. Identifiers: Orphanet 98967, MedGen C0271287, MONDO:0007374, OMIM 121800.

Allele frequency attached by ClinVar (database versions not stated): gnomAD exomes 0.00045 and 0.00083; ExAC 0.00047; gnomAD 0.00058 and 0.00062; TOPMed 0.00059; ESP Exome Variant Server 0.00054.
gnomAD v4.1: 1,305 of 1,614,126 alleles (0.081%); highest among the groups gnomAD compares: Non-Finnish European, 0.1%; 2 homozygotes.

Submissions (2):

Labcorp Genetics (formerly Invitae), Labcorp
Classification: Benign. Last evaluated: 2025-06-24. Review status: criteria provided, single submitter. Criteria: Invitae Variant Classification Sherloc (09022015). Collection method: clinical testing. Allele origin: germline.

Illumina Laboratory Services, Illumina
Classification: Benign for Schnyder crystalline corneal dystrophy. Last evaluated: 2018-01-12. Review status: criteria provided, single submitter. Criteria: ICSL Variant Classification Criteria 13 December 2019. Collection method: clinical testing. Allele origin: germline.
Comment: This variant was observed in the ICSL laboratory as part of a predisposition screen in an ostensibly healthy population. It had not been previously curated by ICSL or reported in the Human Gene Mutation Database (HGMD: prior to June 1st, 2018), and was therefore a candidate for classification through an automated scoring system. Utilizing variant allele frequency, disease prevalence and penetrance estimates, and inheritance mode, an automated score was calculated to assess if this variant is too frequent to cause the disease. Based on the score and internal cut-off values, a variant classified as benign is not then subjected to further curation. The score for this variant resulted in a classification of benign for this disease.